The following is an entry in ClinVar:

ClinVar aggregate classification (germline): Uncertain significance (1 of 4 stars; one submission).

Conditions:
Gastrointestinal stromal tumor. Also called: Gastrointestinal stromal tumor, somatic; Gastrointestinal stroma tumor. Identifiers: Orphanet 44890, MedGen C0238198, MeSH D046152, MONDO:0011719, OMIM 606764, HP:0100723.

Submission:

Labcorp Genetics (formerly Invitae), Labcorp
Classification: Uncertain significance for Gastrointestinal stromal tumor. Last evaluated: 2019-01-27. Review status: criteria provided, single submitter. Criteria: Invitae Variant Classification Sherloc (09022015). Collection method: clinical testing. Allele origin: germline.
Comment: In summary, the available evidence is currently insufficient to determine the role of this variant in disease. Therefore, it has been classified as a Variant of Uncertain Significance. The current clinical and genetic evidence is not sufficient to establish whether loss-of-function variants in PDGFRA cause disease. This variant has not been reported in the literature in individuals with PDGFRA-related conditions. This variant is not present in population databases (ExAC no frequency). This sequence change creates a premature translational stop signal (p.Tyr762Leufs*2) in the PDGFRA gene. It is expected to result in an absent or disrupted protein product.

NM_006206.6(PDGFRA):c.2284dup (p.Tyr762fs)

Gene: PDGFRA (platelet derived growth factor receptor alpha; plus strand). Cytogenetic location: 4q12.
Variant type: Duplication.
Coding change: c.2284dup on transcript NM_006206.6 (MANE Select); coding-DNA position 2284, one base duplicated (T; older notation c.2284dupT).
Protein change: p.Tyr762fs; shifts the reading frame from tyrosine 762.
Molecular consequence: frameshift variant.
Genome position (GRCh38, 1-based): chr4:54,280,443, T duplicated. VCF-style (leftmost placement, unchanged base first): chr4-54280442-C-CT. GRCh37 (hg19) VCF-style: chr4-55146609-C-CT.
Other names: c.2284dup, p.Tyr762fs (NM_001347827.2, NM_001347829.2); c.2359dup, p.Tyr787fs (NM_001347828.2); c.2323dup, p.Tyr775fs (NM_001347830.2); short protein forms Y775fs, Y762fs, Y787fs.
Identifiers: ClinVar variation 852371 (VCV000852371.8), dbSNP rs1724013061, ClinGen allele CA916081446.